The following is an entry in ClinVar:

NM_182641.4(BPTF):c.6184A>C (p.Thr2062Pro)

Gene: BPTF (bromodomain PHD finger transcription factor; plus strand). Cytogenetic location: 17q24.2.
Variant type: single nucleotide variant.
Coding change: c.6184A>C on transcript NM_182641.4 (MANE Select); coding-DNA position 6184, A replaced by C.
Protein change: p.Thr2062Pro; replaces threonine 2062 with proline.
Molecular consequence: missense variant.
Genome position (GRCh38, 1-based): chr17:67,931,944, A>C. VCF-style: chr17-67931944-A-C. GRCh37 (hg19) VCF-style: chr17-65928060-A-C.
Other names: c.6562A>C, p.Thr2188Pro (NM_004459.7); c.6184A>C (NM_182641.3); short protein forms T2188P, T2062P.
Identifiers: ClinVar variation 2869993 (VCV002869993.4), dbSNP rs766336562, ClinGen allele CA8726130.

ClinVar aggregate classification (germline): Uncertain significance. Review status: criteria provided, multiple submitters, no conflicts (2 of 4 stars). 2 submissions from 2 submitters: Uncertain significance (2). Last evaluated 2026-01-26.

Conditions:
Inborn genetic diseases. Identifiers: MedGen C0950123, MeSH D030342.

Allele frequency attached by ClinVar (database versions not stated): ExAC 0.00002.
gnomAD v4.1: 11 of 1,613,902 alleles (0.00068%); highest among the groups gnomAD compares: Non-Finnish European, 0.00093%; no homozygotes.

Submissions (2):

Labcorp Genetics (formerly Invitae), Labcorp
Classification: Uncertain significance. Last evaluated: 2026-01-26. Review status: criteria provided, single submitter. Criteria: Invitae Variant Classification Sherloc (09022015). Collection method: clinical testing. Allele origin: germline.
Comment: This sequence change replaces threonine, which is neutral and polar, with proline, which is neutral and non-polar, at codon 2188 of the BPTF protein (p.Thr2188Pro). This variant is present in population databases (rs766336562, gnomAD 0.004%). This variant has not been reported in the literature in individuals affected with BPTF-related conditions. ClinVar contains an entry for this variant (Variation ID: 2869993). An algorithm developed to predict the effect of missense changes on protein structure and function (PolyPhen-2) suggests that this variant is likely to be disruptive. In summary, the available evidence is currently insufficient to determine the role of this variant in disease. Therefore, it has been classified as a Variant of Uncertain Significance.

Ambry Genetics
Classification: Uncertain significance for Inborn genetic diseases. Last evaluated: 2025-04-27. Review status: criteria provided, single submitter. Criteria: Ambry Variant Classification Scheme 2023. Collection method: clinical testing. Allele origin: germline.